The following is an entry in ClinVar:

ClinVar aggregate classification (germline): Pathogenic/Likely pathogenic. Review status: criteria provided, multiple submitters, no conflicts (2 of 4 stars). 18 submissions from 16 submitters: Pathogenic (14); Likely pathogenic (1). 3 of the submissions do not count toward it. Last evaluated 2025-11-17.

Conditions:
PEX7-related disorder. Also called: PEX7-related condition; PEX7-related disorders. Identifiers: MedGen CN239409.
Inborn genetic diseases. Identifiers: MedGen C0950123, MeSH D030342.
Rhizomelic chondrodysplasia punctata (RCDP). Identifiers: Orphanet 177, MedGen C0282529, MONDO:0015776. Disease mechanism: loss of function.
Peroxisome biogenesis disorder 9B. Also called: Refsum disease, adult, 2; PEROXISOME BIOGENESIS DISORDER, PEX7-RELATED, ATYPICAL; PEX7-Related Refsum Disease. Identifiers: Orphanet 773, MedGen C2749346, MONDO:0013945, OMIM 614879.
Rhizomelic chondrodysplasia punctata type 1 (RCDP1). Also called: CHONDRODYSTROPHIA CALCIFICANS PUNCTATA; PEX7-Related Rhizomelic Chondrodysplasia Punctata; PEROXISOME BIOGENESIS DISORDER 9. Identifiers: Orphanet 177, Orphanet 309789, MedGen C1859133, MONDO:0008972, OMIM 215100. Disease mechanism: loss of function.

Allele frequency attached by ClinVar (database versions not stated): gnomAD 0.00005 and 0.00006; gnomAD exomes 0.00008 and 0.00004; ExAC 0.00002; TOPMed 0.00009.

Submissions (18):

Natera, Inc.
Classification: Pathogenic for Rhizomelic Chondrodysplasia Punctata. Last evaluated: 2025-11-17. Review status: criteria provided, single submitter. Criteria: Natera Variant Classification Schema (03/2026). Collection method: clinical testing. Allele origin: germline.
Comment: The c.649G>A variant in PEX7 is a missense variant predicted to cause substitution of glycine to arginine at amino acid 217. This variant is rare in the general population with a frequency below the threshold expected for the associated phenotype(s). This variant has been observed in one or more individuals affected with the associated recessive disease, as either homozygous or compound heterozygous with a second variant (PMID: 9090381). Computational prediction algorithms indicate this variant is likely to affect gene or protein function. Given the available evidence, this variant is classified as Pathogenic.

Labcorp Genetics (formerly Invitae), Labcorp
Classification: Pathogenic for Peroxisome biogenesis disorder 9B. Last evaluated: 2025-04-26. Review status: criteria provided, single submitter. Criteria: Invitae Variant Classification Sherloc (09022015). Collection method: clinical testing. Allele origin: germline.
Comment: This sequence change replaces glycine, which is neutral and non-polar, with arginine, which is basic and polar, at codon 217 of the PEX7 protein (p.Gly217Arg). This variant is present in population databases (rs121909152, gnomAD 0.01%). This missense change has been observed in individuals with rhizomelic chondrodysplasia punctata (PMID: 9090381, 11781871, 12325024, 23572185). ClinVar contains an entry for this variant (Variation ID: 7782). An algorithm developed to predict the effect of missense changes on protein structure and function (PolyPhen-2) suggests that this variant is likely to be tolerated. Experimental studies have shown that this missense change affects PEX7 function (PMID: 9472033, 11756410, 12325024). For these reasons, this variant has been classified as Pathogenic.

Mayo Clinic Laboratories, Mayo Clinic
Classification: Pathogenic. Last evaluated: 2025-01-21. Review status: criteria provided, single submitter. Criteria: ACMG Guidelines, 2015. Collection method: clinical testing. Allele origin: germline. Observed: 2 variant alleles.
Comment: PP3_moderate, PM2_supporting, PM3_strong, PS3, PS4_moderate

Victorian Clinical Genetics Services, Murdoch Childrens Research Institute
Classification: Pathogenic for Rhizomelic chondrodysplasia punctata type 1. Last evaluated: 2024-10-09. Review status: criteria provided, single submitter. Criteria: ACMG Guidelines, 2015. Collection method: clinical testing. Allele origin: germline. Inheritance: Autosomal recessive inheritance. Affected: no.
Comment: Based on the classification scheme VCGS_Germline_v1.3.5, this variant is classified as Pathogenic. Following criteria are met: 0102 - Loss of function is a known mechanism of disease in this gene and is associated with rhizomelic chondrodysplasia punctata, type 1 (MIM#215100). (I) 0106 - This gene is associated with autosomal recessive disease. (I) 0200 - Variant is predicted to result in a missense amino acid change from glycine to arginine. (I) 0251 - This variant is heterozygous. (I) 0304 - Variant is present in gnomAD <0.01 for a recessive condition (v4: 127 heterozygotes, 0 homozygotes). (SP) 0501 - Missense variant consistently predicted to be damaging by multiple in silico tools or highly conserved with a major amino acid change. (SP) 0600 - Variant is located in the annotated WD repeat domain, G-beta (DECIPHER). (I) 0801 - This variant has strong previous evidence of pathogenicity in unrelated individuals. This variant has been reported in multiple individuals with rhizomelic chondrodysplasia punctata, type 1 (PMID: 12325024) and reported as pathogenic by clinical laboratories in ClinVar. (SP) 1208 - Inheritance information for this variant is not currently available in this individual. (I) Legend: (SP) - Supporting pathogenic, (I) - Information, (SB) - Supporting benign

Blueprint Genetics
Classification: Pathogenic for PEX7-related disorders. Last evaluated: 2024-09-03. Review status: criteria provided, single submitter. Criteria: ACMG Guidelines, 2015. Collection method: clinical testing. Allele origin: germline. Affected: yes. Observed: 5 variant alleles.

Fulgent Genetics
Classification: Pathogenic for Rhizomelic chondrodysplasia punctata type 1; Peroxisome biogenesis disorder 9B. Last evaluated: 2024-03-25. Review status: criteria provided, single submitter. Criteria: ACMG Guidelines, 2015. Collection method: clinical testing. Allele origin: germline.

Baylor Genetics
Classification: Pathogenic for Peroxisome biogenesis disorder 9B. Last evaluated: 2024-02-07. Review status: criteria provided, single submitter. Criteria: ACMG Guidelines, 2015. Collection method: clinical testing. Allele origin: unknown.

GeneDx
Classification: Pathogenic. Last evaluated: 2023-11-13. Review status: criteria provided, single submitter. Criteria: GeneDx Variant Classification Process June 2021. Collection method: clinical testing. Allele origin: germline. Affected: yes.
Comment: Not observed at significant frequency in large population cohorts (gnomAD); In silico analysis supports that this missense variant has a deleterious effect on protein structure/function; This variant is associated with the following publications: (PMID: 12054588, 20145307, 11781871, 15287046, 10083738, 9472033, 20301447, 9090381, 24172221, 12325024, 11756410, 23572185)

Ambry Genetics
Classification: Pathogenic for Inborn genetic diseases. Last evaluated: 2021-11-17. Review status: criteria provided, single submitter. Criteria: Ambry Variant Classification Scheme 2023. Collection method: clinical testing. Allele origin: germline.
Comment: The c.649G>A (p.G217R) alteration is located in exon 7 (coding exon 7) of the PEX7 gene. This alteration results from a G to A substitution at nucleotide position 649, causing the glycine (G) at amino acid position 217 to be replaced by an arginine (R). Based on data from gnomAD, the A allele has an overall frequency of 0.004% (11/282,804) total alleles studied. The highest observed frequency was 0.01% (3/24,972) of African alleles. This alteration has been reported compound heterozygous with a second alteration in PEX7 in multiple patients with rhizomelic chondrodysplasia punctata (RCDP) (Braverman, 1997; Braverman, 2002). Motley et al. (2002) also reported this alteration in patients with RCDP. This amino acid position is highly conserved in available vertebrate species. Functional studies showed that this alteration resulted in abnormal cellular localization and defective protein binding in Chinese hamster ovary ZPG207 mutant cells and fibroblasts from patients with RCDP (Braverman, 2002; Mukai, 2002). This alteration is predicted to be deleterious by in silico analysis. Based on the available evidence, this alteration is classified as pathogenic.

Revvity Omics, Revvity
Classification: Pathogenic. Last evaluated: 2020-07-31. Review status: criteria provided, single submitter. Criteria: ACMG Guidelines, 2015. Collection method: clinical testing. Allele origin: germline.

Myriad Genetics, Inc.
Classification: Likely pathogenic for Rhizomelic chondrodysplasia punctata type 1. Last evaluated: 2019-12-11. Review status: criteria provided, single submitter. Criteria: Myriad Women's Health Autosomal Recessive and X-Linked Classification Criteria (2019). Collection method: clinical testing. Allele origin: unknown.
Comment: NM_000288.3(PEX7):c.649G>A(G217R) is classified as likely pathogenic in the context of type 1 rhizomelic chondrodysplasia punctata. Sources cited for classification include the following: PMID 11781871, 12325024, and 11756410. Classification of NM_000288.3(PEX7):c.649G>A(G217R) is based on the following criteria: This variant has been observed more frequently in patients with clinical diagnoses than in healthy populations. Please note: this variant was assessed in the context of healthy population screening.

Women's Health and Genetics/Laboratory Corporation of America, LabCorp
Classification: Pathogenic for Rhizomelic chondrodysplasia punctata type 1. Last evaluated: 2018-07-24. Review status: criteria provided, single submitter. Criteria: LabCorp Variant Classification Summary - May 2015. Collection method: clinical testing. Allele origin: germline.
Comment: Variant summary: PEX7 c.649G>A (p.Gly217Arg) results in a non-conservative amino acid change located in the WD40-repeat-containing domain of the encoded protein sequence. Five of five in-silico tools predict a damaging effect of the variant on protein function. The variant allele was found at a frequency of 4e-05 in 277138 control chromosomes (gnomAD). c.649G>A has been reported in the literature in multiple individuals affected with Rhizomelic Chondrodysplasia Punctata Type 1 (Braverman_1997, Motley_2002). These data indicate that the variant is very likely to be associated with disease. One publication reports experimental evidence evaluating an impact on protein function, however, does not allow convincing conclusions about the variant effect (Motley_2002). Two ClinVar submissions from clinical diagnostic laboratories (evaluation after 2014) cite the variant as pathogenic/likely pathogenic. Based on the evidence outlined above, the variant was classified as pathogenic.

Knight Diagnostic Laboratories, Oregon Health and Sciences University
Classification: Pathogenic for Rhizomelic chondrodysplasia punctata type 1. Last evaluated: 2016-03-04. Review status: criteria provided, single submitter. Criteria: ACMG Guidelines, 2015. Collection method: clinical testing. Allele origin: germline. Affected: no. Study: CSER-NextGen.
Comment: c.649G>A, p.Gly217Arg variant has previously been reported in trans with a known pathogenic variant, p.Leu292ter in five affected individuals (Braverman N et al., 1997) as well as in the homozygous state in one affected individual (Braverman et al. 2002). It has been shown to induce an import defect where the protein remains mainly cytosolic instead of targeting to the peroxisome (Braverman et al. 2002). In 138 affected individuals, this variant has been observed in 10 alleles (~4%) (Braverman et al. 2002; Motley AM et al., 2002); in the ExAC database, only 2 alleles with this variant has been reported (0.002%). This indicates that the prevalence of this variant is significantly higher in cases compared with controls (Odds ratio 2282; 95% CI 498 â€“ 10466). Multiple in silico algorithms predict a deleterious effect (GERP =4.98; CADD = 19.87; PolyPhen = 1; SIFT = 0). Therefore, this collective evidence supports the classification of the c.649G>A (p.Gly217Arg) as a Pathogenic variant for rhizomelic chondrodysplasia punctata type I. We have confirmed this finding in our laboratory using Sanger sequencing.

Baylor Genetics
Classification: Pathogenic for Rhizomelic chondrodysplasia punctata type 1. Review status: criteria provided, single submitter. Criteria: ACMG Guidelines, 2015. Collection method: clinical testing. Allele origin: germline.

Kariminejad - Najmabadi Pathology & Genetics Center
Classification: Pathogenic for Rhizomelic chondrodysplasia punctata type 1. Review status: criteria provided, single submitter. Criteria: ACMG Guidelines, 2015. Collection method: clinical testing. Allele origin: germline. Affected: no.

Knight Diagnostic Laboratories, Oregon Health and Sciences University
Classification: Pathogenic for Peroxisome biogenesis disorder 9B. Last evaluated: 2016-03-04. Review status: no assertion criteria provided. Criteria: ACMG Guidelines, 2015. Collection method: clinical testing. Allele origin: germline. Affected: no. Study: CSER-NextGen. Not counted in ClinVar's aggregate classification.

OMIM
Classification: Pathogenic for RHIZOMELIC CHONDRODYSPLASIA PUNCTATA, TYPE 1. Last evaluated: 1997-04-01. Review status: no assertion criteria provided. Collection method: literature only. Allele origin: germline. Not counted in ClinVar's aggregate classification.

GeneReviews
No classification provided. Condition: Rhizomelic chondrodysplasia punctata type 1. Review status: no classification provided. Collection method: literature only. Allele origin: unknown. Not counted in ClinVar's aggregate classification.

Literature cited by the submitters: PubMed 9090381 (cited by 5 submitters); PubMed 11781871 (cited by 4 submitters); PubMed 12325024 (cited by 5 submitters); PubMed 23572185 (cited by Labcorp Genetics (formerly Invitae), Labcorp); PubMed 9472033 (cited by Labcorp Genetics (formerly Invitae), Labcorp); PubMed 11756410 (cited by 4 submitters); PubMed 20301447 (cited by GeneReviews); NCBI Bookshelf NBK1270 (cited by GeneReviews).

NM_000288.4(PEX7):c.649G>A (p.Gly217Arg)

Gene: PEX7 (peroxisomal biogenesis factor 7; plus strand). Cytogenetic location: 6q23.3.
Variant type: single nucleotide variant.
Coding change: c.649G>A on transcript NM_000288.4 (MANE Select); coding-DNA position 649, G replaced by A.
Protein change: p.Gly217Arg; replaces glycine 217 with arginine.
Molecular consequence: missense variant.
Genome position (GRCh38, 1-based): chr6:136,869,905, G>A. VCF-style: chr6-136869905-G-A. GRCh37 (hg19) VCF-style: chr6-137191043-G-A.
Other names: short protein forms G217R.
Identifiers: ClinVar variation 7782 (VCV000007782.41), dbSNP rs121909152, ClinGen allele CA340700.